The following is an entry in ClinVar:

ClinVar aggregate classification (germline): Pathogenic (1 of 4 stars; one submission).

Conditions:
Neurofibromatosis, type 1 (NF1). Also called: Neurofibromatosis, type I; VON RECKLINGHAUSEN DISEASE; Peripheral type neurofibromatosis; NEUROFIBROMATOSIS, TYPE I, SOMATIC. Identifiers: Orphanet 636, MedGen C0027831, MONDO:0018975, OMIM 162200. Disease mechanism: loss of function.

Submission:

Labcorp Genetics (formerly Invitae), Labcorp
Classification: Pathogenic for Neurofibromatosis, type 1. Last evaluated: 2019-11-18. Review status: criteria provided, single submitter. Criteria: Invitae Variant Classification Sherloc (09022015). Collection method: clinical testing. Allele origin: germline.
Comment: For these reasons, this variant has been classified as Pathogenic. Loss-of-function variants in NF1 are known to be pathogenic (PMID: 10712197, 23913538). This variant has not been reported in the literature in individuals with NF1-related conditions. This variant is not present in population databases (ExAC no frequency). This sequence change creates a premature translational stop signal (p.Ile791*) in the NF1 gene. It is expected to result in an absent or disrupted protein product.

Literature cited by the submitters: PubMed 10712197; PubMed 23913538.

NM_001042492.3(NF1):c.2369_2370dup (p.Ile791Ter)

Gene: NF1 (neurofibromin 1; plus strand). Cytogenetic location: 17q11.2.
Variant type: Duplication.
Coding change: c.2369_2370dup on transcript NM_001042492.3 (MANE Select); coding-DNA positions 2369 to 2370, 2 bases duplicated (TA; older notation c.2369_2370dupTA).
Protein change: p.Ile791Ter; replaces isoleucine 791 with a stop codon.
Molecular consequence: nonsense. On other transcripts: frameshift variant (1).
Genome position (GRCh38, 1-based): chr17:31,227,566-31,227,567, TA duplicated. VCF-style (leftmost placement, unchanged base first): chr17-31227565-C-CTA. GRCh37 (hg19) VCF-style: chr17-29554583-C-CTA.
Other names: c.2369_2370dup, p.Ile791Terfs (NM_000267.4); short protein forms I791*.
Identifiers: ClinVar variation 864452 (VCV000864452.6), dbSNP rs2067038509, ClinGen allele CA916080611.